The following is an entry in ClinVar:

NM_001267727.2(ARSG):c.766G>A (p.Val256Met)

Gene: ARSG (arylsulfatase G; plus strand). Cytogenetic location: 17q24.2.
Variant type: single nucleotide variant.
Coding change: c.766G>A on transcript NM_001267727.2 (MANE Select); coding-DNA position 766, G replaced by A.
Protein change: p.Val256Met; replaces valine 256 with methionine.
Molecular consequence: missense variant.
Genome position (GRCh38, 1-based): chr17:68,368,609, G>A. VCF-style: chr17-68368609-G-A. GRCh37 (hg19) VCF-style: chr17-66364750-G-A.
Other names: c.766G>A, p.Val256Met (NM_001352899.2, NM_001352900.2, NM_001352901.2 and 3 more transcripts); c.763G>A, p.Val255Met (NM_001352903.2, NM_001352904.2, NM_001352905.2 and 2 more transcripts); c.718G>A, p.Val240Met (NM_001352909.2); c.766G>A (NM_014960.4); short protein forms V240M, V255M, V256M.
Identifiers: ClinVar variation 1658012 (VCV001658012.33), dbSNP rs144631983, ClinGen allele CA8728359.

ClinVar aggregate classification (germline): Conflicting classifications of pathogenicity. Review status: criteria provided, conflicting classifications (1 of 4 stars). 5 submissions from 5 submitters: Uncertain significance (1); Likely benign (4). Last evaluated 2025-06-19.

Conditions:
ARSG-related disorder. Also called: ARSG-related condition.

Allele frequency attached by ClinVar (database versions not stated): 1000 Genomes Project 30x 0.00031; ExAC 0.00031; ESP Exome Variant Server 0.00031; gnomAD exomes 0.00036 and 0.00025; gnomAD 0.00015 and 0.00017; 1000 Genomes Project 0.00020; TOPMed 0.00025.
gnomAD v4.1: 419 of 1,614,194 alleles (0.026%); highest among the groups gnomAD compares: Middle Eastern, 0.96%; 2 homozygotes.

Submissions (5):

PreventionGenetics, part of Exact Sciences
Classification: Likely benign for ARSG-related condition. Last evaluated: 2025-06-19. Review status: criteria provided, single submitter. Criteria: ACMG Guidelines, 2015. Collection method: clinical testing. Allele origin: germline.
Comment: This variant is classified as likely benign based on ACMG/AMP sequence variant interpretation guidelines (Richards et al. 2015 PMID: 25741868, with internal and published modifications).

Blueprint Genetics
Classification: Uncertain significance. Last evaluated: 2024-08-04. Review status: criteria provided, single submitter. Criteria: ACMG Guidelines, 2015. Collection method: clinical testing. Allele origin: germline.

CeGaT Center for Human Genetics Tuebingen
Classification: Likely benign. Last evaluated: 2024-01-01. Review status: criteria provided, single submitter. Criteria: CeGaT Center For Human Genetics Tuebingen Variant Classification Criteria Version 2. Collection method: clinical testing. Allele origin: germline. Affected: yes. Observed: 1 variant allele.
Comment: ARSG: BP4

Labcorp Genetics (formerly Invitae), Labcorp
Classification: Likely benign. Last evaluated: 2022-10-25. Review status: criteria provided, single submitter. Criteria: Invitae Variant Classification Sherloc (09022015). Collection method: clinical testing. Allele origin: germline.

Breakthrough Genomics
Classification: Likely benign. Review status: criteria provided, single submitter. Criteria: ACMG Guidelines, 2015. Collection method: not provided. Allele origin: germline. Inheritance: Autosomal recessive inheritance. Affected: yes.